The following is an entry in ClinVar:

ClinVar aggregate classification (germline): Likely benign (1 of 4 stars; one submission).

Allele frequency attached by ClinVar (database versions not stated): ExAC 0.00013; gnomAD 0.00057; 1000 Genomes Project 0.00359.

Submission:

CeGaT Center for Human Genetics Tuebingen
Classification: Likely benign. Last evaluated: 2025-09-01. Review status: criteria provided, single submitter. Criteria: CeGaT Center For Human Genetics Tuebingen Variant Classification Criteria Version 2. Collection method: clinical testing. Allele origin: germline. Affected: yes. Observed: 2 variant alleles.
Comment: HRNR: BP4, BP7

NM_001009931.3(HRNR):c.7284T>C (p.Ser2428=)

Genes: CCDST (cervical cancer associated DHX9 suppressive transcript; plus strand), HRNR (hornerin; minus strand). Cytogenetic location: 1q21.3.
Variant type: single nucleotide variant.
Coding change: c.7284T>C on transcript NM_001009931.3 (MANE Select); coding-DNA position 7284, T replaced by C.
Protein change: p.Ser2428=; no amino-acid change (serine 2428 retained).
Molecular consequence: synonymous variant.
Genome position (GRCh38, 1-based): chr1:152,214,345, A>G on the plus strand (T>C on the coding strand, the complement: HRNR is on the minus strand). VCF-style: chr1-152214345-A-G. GRCh37 (hg19) VCF-style: chr1-152186821-A-G.
Identifiers: ClinVar variation 2639198 (VCV002639198.24), dbSNP rs555967280, ClinGen allele CA1100152.